The following is an entry in ClinVar:

NM_000020.3(ACVRL1):c.1040_1042dup (p.Ala347_Asp348insAla)

Gene: ACVRL1 (activin A receptor like type 1; plus strand). Cytogenetic location: 12q13.13.
Variant type: Duplication.
Coding change: c.1040_1042dup on transcript NM_000020.3 (MANE Select); coding-DNA positions 1040 to 1042, 3 bases duplicated (CCG; older notation c.1040_1042dupCCG).
Protein change: p.Ala347_Asp348insAla.
Molecular consequence: inframe insertion.
Genome position (GRCh38, 1-based): chr12:51,915,492-51,915,494, CCG duplicated; duplicating any 3 consecutive bases within chr12:51,915,490-51,915,494 gives the same sequence; the c. name uses the placement nearest the transcript's 3' end. VCF-style (leftmost placement, unchanged base first): chr12-51915489-T-TCGC. GRCh37 (hg19) VCF-style: chr12-52309273-T-TCGC.
Other names: c.1040_1042dup, p.Ala347_Asp348insAla (NM_001077401.2, NM_001406487.1, NM_001406488.1 and 1 more transcripts); c.728_730dup, p.Ala243_Asp244insAla (NM_001406490.1, NM_001406491.1, NM_001406492.1 and 2 more transcripts); c.476_478dup, p.Ala159_Asp160insAla (NM_001406495.1).
Identifiers: ClinVar variation 2704790 (VCV002704790.3), dbSNP rs2540164994, ClinGen allele CA2697554496.
Genomic context (GRCh38, chr12:51,915,489, plus strand): 5'-TTGCCCACCGCGACTTCAAGAGCCGCAATGTGCTGGTCAAGAGCAACCTGCAGTGTTGCA[T>TCGC]CGCCGACCTGGGTGAGCCGGGCGGGGCAGGGGCGCGCCCTTCACAGGTGGGCGGAGCTTG-3'

ClinVar aggregate classification (germline): Uncertain significance (1 of 4 stars; one submission).

Conditions:
Telangiectasia, hereditary hemorrhagic, type 2 (HHT2). Also called: Telangiectasia, hereditary hemorrhagic, type II; ACVRL1-Related Hereditary Hemorrhagic Telangiectasia. Identifiers: Orphanet 774, MedGen C1838163, MONDO:0010880, OMIM 600376. Disease mechanism: loss of function.

Submission:

Labcorp Genetics (formerly Invitae), Labcorp
Classification: Uncertain significance for Telangiectasia, hereditary hemorrhagic, type 2. Last evaluated: 2024-08-29. Review status: criteria provided, single submitter. Criteria: Invitae Variant Classification Sherloc (09022015). Collection method: clinical testing. Allele origin: germline.
Comment: This variant, c.1040_1042dup, results in the insertion of 1 amino acid(s) of the ACVRL1 protein (p.Ala347dup), but otherwise preserves the integrity of the reading frame. This variant is not present in population databases (gnomAD no frequency). This variant has been observed in individual(s) with hereditary hemorrhagic telangiectasia (internal data). In summary, the available evidence is currently insufficient to determine the role of this variant in disease. Therefore, it has been classified as a Variant of Uncertain Significance.